The following is an entry in ClinVar:

NM_003923.3(FOXH1):c.13A>T (p.Ser5Cys)

Gene: FOXH1 (forkhead box H1; minus strand). Cytogenetic location: 8q24.3.
Variant type: single nucleotide variant.
Coding change: c.13A>T on transcript NM_003923.3 (MANE Select); coding-DNA position 13, A replaced by T.
Protein change: p.Ser5Cys; replaces serine 5 with cysteine.
Molecular consequence: missense variant.
Genome position (GRCh38, 1-based): chr8:144,475,744, T>A on the plus strand (A>T on the coding strand, the complement: FOXH1 is on the minus strand). VCF-style: chr8-144475744-T-A. GRCh37 (hg19) VCF-style: chr8-145701127-T-A.
Other names: short protein forms S5C.
Identifiers: ClinVar variation 963495 (VCV000963495.6), dbSNP rs774860387, ClinGen allele CA4945690.

ClinVar aggregate classification (germline): Uncertain significance (1 of 4 stars; one submission).

Conditions:
Holoprosencephaly sequence (HPE). Also called: Holoprosencephaly. Identifiers: Orphanet 2162, MedGen C0079541, MONDO:0016296, HP:0001360.

Allele frequency attached by ClinVar (database versions not stated): gnomAD exomes 0.00003; TOPMed 0.00008; ExAC 0.00015.
gnomAD v4.1: 47 of 1,409,550 alleles (0.0033%); highest among the groups gnomAD compares: Middle Eastern, 0.019%; no homozygotes.

Submission:

Labcorp Genetics (formerly Invitae), Labcorp
Classification: Uncertain significance for Holoprosencephaly sequence. Last evaluated: 2023-09-18. Review status: criteria provided, single submitter. Criteria: Invitae Variant Classification Sherloc (09022015). Collection method: clinical testing. Allele origin: germline.
Comment: In summary, the available evidence is currently insufficient to determine the role of this variant in disease. Therefore, it has been classified as a Variant of Uncertain Significance. An algorithm developed to predict the effect of missense changes on protein structure and function (PolyPhen-2) suggests that this variant is likely to be disruptive. ClinVar contains an entry for this variant (Variation ID: 963495). This variant has not been reported in the literature in individuals affected with FOXH1-related conditions. This variant is present in population databases (rs774860387, gnomAD 0.007%). This sequence change replaces serine, which is neutral and polar, with cysteine, which is neutral and slightly polar, at codon 5 of the FOXH1 protein (p.Ser5Cys).